The following is an entry in ClinVar:

NM_002691.4(POLD1):c.640G>A (p.Val214Met)

Gene: POLD1 (DNA polymerase delta 1, catalytic subunit; plus strand). Cytogenetic location: 19q13.33.
Variant type: single nucleotide variant.
Coding change: c.640G>A on transcript NM_002691.4 (MANE Select); coding-DNA position 640, G replaced by A.
Protein change: p.Val214Met; replaces valine 214 with methionine.
Molecular consequence: missense variant. On other transcripts: non-coding transcript variant (1).
Genome position (GRCh38, 1-based): chr19:50,402,255, G>A. VCF-style: chr19-50402255-G-A. GRCh37 (hg19) VCF-style: chr19-50905512-G-A.
Other names: c.640G>A, p.Val214Met (NM_001256849.1, NM_001308632.1); c.640G>A (NM_002691.2); short protein forms V214M.
Identifiers: ClinVar variation 469373 (VCV000469373.14), dbSNP rs1200514497, ClinGen allele CA406974063.

ClinVar aggregate classification (germline): Conflicting classifications of pathogenicity. Review status: criteria provided, conflicting classifications (1 of 4 stars). 3 submissions from 3 submitters: Uncertain significance (2); Likely benign (1). Last evaluated 2025-12-21.

Conditions:
POLD1-related polyposis and colorectal cancer syndrome (CRCS10). Also called: Colorectal cancer 10; COLORECTAL CANCER, SUSCEPTIBILITY TO, ON CHROMOSOME 19q; Colorectal cancer, susceptibility to, 10. Identifiers: Orphanet 220460, MedGen C2675481, MONDO:0012953, OMIM 612591.
Hereditary cancer-predisposing syndrome. Also called: Neoplastic Syndromes, Hereditary; Hereditary neoplastic syndrome; Tumor predisposition; Hereditary Cancer Syndrome. Identifiers: Orphanet 140162, MedGen C0027672, MeSH D009386, MONDO:0015356.

Allele frequency attached by ClinVar (database versions not stated): gnomAD exomes below 0.00001.
gnomAD v4.1: 5 of 1,600,854 alleles (0.00031%); highest among the groups gnomAD compares: East Asian, 0.0022%; no homozygotes.

Submissions (3):

Labcorp Genetics (formerly Invitae), Labcorp
Classification: Uncertain significance for POLD1-related polyposis and colorectal cancer syndrome. Last evaluated: 2025-12-21. Review status: criteria provided, single submitter. Criteria: Invitae Variant Classification Sherloc (09022015). Collection method: clinical testing. Allele origin: germline.
Comment: This sequence change replaces valine, which is neutral and non-polar, with methionine, which is neutral and non-polar, at codon 214 of the POLD1 protein (p.Val214Met). This variant is present in population databases (no rsID available, gnomAD 0.006%). This variant has not been reported in the literature in individuals affected with POLD1-related conditions. ClinVar contains an entry for this variant (Variation ID: 469373). Invitae Evidence Modeling of protein sequence and biophysical properties (such as structural, functional, and spatial information, amino acid conservation, physicochemical variation, residue mobility, and thermodynamic stability) indicates that this missense variant is not expected to disrupt POLD1 protein function with a negative predictive value of 80%. In summary, the available evidence is currently insufficient to determine the role of this variant in disease. Therefore, it has been classified as a Variant of Uncertain Significance.

Ambry Genetics
Classification: Likely benign for Hereditary cancer-predisposing syndrome. Last evaluated: 2025-01-10. Review status: criteria provided, single submitter. Criteria: Ambry Variant Classification Scheme 2023. Collection method: clinical testing. Allele origin: germline.

GeneDx
Classification: Uncertain significance. Last evaluated: 2024-06-05. Review status: criteria provided, single submitter. Criteria: GeneDx Variant Classification Process June 2021. Collection method: clinical testing. Allele origin: germline. Affected: yes.
Comment: Not observed at significant frequency in large population cohorts (gnomAD); In silico analysis indicates that this missense variant does not alter protein structure/function; Has not been previously published as pathogenic or benign to our knowledge; This variant is associated with the following publications: (PMID: 28481359)